The following is an entry in ClinVar:

NM_001080517.3(SETD5):c.1066C>A (p.Pro356Thr)

Gene: SETD5 (SET domain containing 5; plus strand). Cytogenetic location: 3p25.3.
Variant type: single nucleotide variant.
Coding change: c.1066C>A on transcript NM_001080517.3 (MANE Select); coding-DNA position 1066, C replaced by A.
Protein change: p.Pro356Thr; replaces proline 356 with threonine.
Molecular consequence: missense variant.
Genome position (GRCh38, 1-based): chr3:9,442,234, C>A. VCF-style: chr3-9442234-C-A. GRCh37 (hg19) VCF-style: chr3-9483918-C-A.
Other names: c.772C>A, p.Pro258Thr (NM_001292043.2, NM_001349451.2); short protein forms P258T, P356T.
Identifiers: ClinVar variation 3367829 (VCV003367829.1).

ClinVar aggregate classification (germline): Uncertain significance (1 of 4 stars; one submission).

Submission:

GeneDx
Classification: Uncertain significance. Last evaluated: 2024-01-24. Review status: criteria provided, single submitter. Criteria: GeneDx Variant Classification Process June 2021. Collection method: clinical testing. Allele origin: germline. Affected: yes.
Comment: Not observed at significant frequency in large population cohorts (gnomAD); In silico analysis supports that this missense variant has a deleterious effect on protein structure/function; Has not been previously published as pathogenic or benign to our knowledge